The following is an entry in ClinVar:

ClinVar aggregate classification (germline): Conflicting classifications of pathogenicity. Review status: criteria provided, conflicting classifications (1 of 4 stars). 14 submissions from 13 submitters: Uncertain significance (2); Benign (1); Likely benign (10). 1 of the submissions does not count toward it. Last evaluated 2026-08-01.

Conditions:
Cardiovascular phenotype. Identifiers: MedGen CN230736.
Hypercholesterolemia, autosomal dominant, type B (FHCL2). Also called: Hyperlipoproteinemia Type IIb; Familial hypercholesterolemia 2; APOB-Related Familial Hypercholesterolemia, Autosomal Dominant; HYPERCHOLESTEROLEMIA, FAMILIAL, DUE TO LIGAND-DEFECTIVE APOLIPOPROTEIN B; Familial Hypercholesterolemia Type B; APOLIPOPROTEIN B-100, FAMILIAL DEFECTIVE. Identifiers: MedGen C1704417, MONDO:0007751, OMIM 144010.
Familial hypobetalipoproteinemia 1. Also called: APOB-Related Familial Hypobetalipoproteinemia; Hypobetalipoproteinemia, normotriglyceridemic; Acanthocytosis with hypobetalipoproteinemia. Identifiers: MedGen C4551990, MONDO:0014252, OMIM 615558.
Hypercholesterolemia, familial, 1. Also called: LDL RECEPTOR DISORDER; Hyperlipoproteinemia Type IIa; HYPER-LOW-DENSITY-LIPOPROTEINEMIA; HYPERCHOLESTEROLEMIC XANTHOMATOSIS, FAMILIAL; Fredrickson type IIa hyperlipoproteinemia; Hyperlipoproteinemia type 2. Identifiers: Orphanet 391665, MedGen C0745103, MONDO:0007750, OMIM 143890.
APOB-related disorder. Also called: APOB-related disorders; APOB-related condition.

Allele frequency attached by ClinVar (database versions not stated): gnomAD exomes 0.00307 and 0.00236; 1000 Genomes Project 0.00040; 1000 Genomes Project 30x 0.00047; TOPMed 0.00176; ESP Exome Variant Server 0.00185; gnomAD 0.00204 and 0.00212; ExAC 0.00265.
gnomAD v4.1: 4,729 of 1,613,980 alleles (0.29%); highest among the groups gnomAD compares: Non-Finnish European, 0.35%; 10 homozygotes.

Submissions (14):

CeGaT Center for Human Genetics Tuebingen
Classification: Likely benign. Last evaluated: 2026-08-01. Review status: criteria provided, single submitter. Criteria: CeGaT Center For Human Genetics Tuebingen Variant Classification Criteria Version 2. Collection method: clinical testing. Allele origin: germline. Affected: yes. Observed: 3 variant alleles.
Comment: APOB: BP4, BS2

Labcorp Genetics (formerly Invitae), Labcorp
Classification: Benign for Familial hypobetalipoproteinemia 1; Hypercholesterolemia, autosomal dominant, type B. Last evaluated: 2026-02-03. Review status: criteria provided, single submitter. Criteria: Invitae Variant Classification Sherloc (09022015). Collection method: clinical testing. Allele origin: germline.

Mayo Clinic Laboratories, Mayo Clinic
Classification: Likely benign. Last evaluated: 2025-07-29. Review status: criteria provided, single submitter. Criteria: ACMG Guidelines, 2015. Collection method: clinical testing. Allele origin: germline. Observed: 6 variant alleles.
Comment: BS1, BP4_moderate

ARUP Laboratories, Molecular Genetics and Genomics, ARUP Laboratories
Classification: Likely benign. Last evaluated: 2025-05-20. Review status: criteria provided, single submitter. Criteria: ARUP Molecular Germline Variant Investigation Process 2024. Collection method: clinical testing. Allele origin: germline.

Blueprint Genetics
Classification: Likely benign. Last evaluated: 2024-10-29. Review status: criteria provided, single submitter. Criteria: ACMG Guidelines, 2015. Collection method: clinical testing. Allele origin: germline.

Quest Diagnostics Nichols Institute San Juan Capistrano
Classification: Likely benign. Last evaluated: 2023-05-31. Review status: criteria provided, single submitter. Criteria: Quest Diagnostics criteria. Collection method: clinical testing. Allele origin: unknown.

Women's Health and Genetics/Laboratory Corporation of America, LabCorp
Classification: Likely benign. Last evaluated: 2022-03-03. Review status: criteria provided, single submitter. Criteria: LabCorp Variant Classification Summary - May 2015. Collection method: clinical testing. Allele origin: germline.

GeneDx
Classification: Likely benign. Last evaluated: 2020-12-24. Review status: criteria provided, single submitter. Criteria: GeneDx Variant Classification Process June 2021. Collection method: clinical testing. Allele origin: germline. Affected: yes.

Ambry Genetics
Classification: Likely benign for Cardiovascular phenotype. Last evaluated: 2019-05-16. Review status: criteria provided, single submitter. Criteria: Ambry Variant Classification Scheme 2023. Collection method: clinical testing. Allele origin: germline.

Molecular Diagnostic Laboratory for Inherited Cardiovascular Disease, Montreal Heart Institute
Classification: Likely benign. Last evaluated: 2019-05-01. Review status: criteria provided, single submitter. Criteria: ACMG Guidelines, 2015. Collection method: clinical testing. Allele origin: germline. Affected: yes.

Illumina Laboratory Services, Illumina
Classification: Uncertain significance for Familial hypobetalipoproteinemia 1. Last evaluated: 2018-01-13. Review status: criteria provided, single submitter. Criteria: ICSL Variant Classification Criteria 13 December 2019. Collection method: clinical testing. Allele origin: germline.

Illumina Laboratory Services, Illumina
Classification: Likely benign for Hypercholesterolemia, autosomal dominant, type B. Last evaluated: 2018-01-13. Review status: criteria provided, single submitter. Criteria: ICSL Variant Classification Criteria 13 December 2019. Collection method: clinical testing. Allele origin: germline.
Comment: This variant was observed in the ICSL laboratory as part of a predisposition screen in an ostensibly healthy population. It had not been previously curated by ICSL or reported in the Human Gene Mutation Database (HGMD: prior to June 1st, 2018), and was therefore a candidate for classification through an automated scoring system. Utilizing variant allele frequency, disease prevalence and penetrance estimates, and inheritance mode, an automated score was calculated to assess if this variant is too frequent to cause the disease. Based on the score and internal cut-off values, a variant classified as likely benign is not then subjected to further curation. The score for this variant resulted in a classification of likely benign for this disease.

Robarts Research Institute, Western University
Classification: Uncertain significance for Hypercholesterolemia, familial, 1. Last evaluated: 2018-01-02. Review status: criteria provided, single submitter. Criteria: ACMG Guidelines, 2015. Collection method: clinical testing. Allele origin: germline. Inheritance: Autosomal dominant inheritance. Affected: yes.

PreventionGenetics, part of Exact Sciences
Classification: Likely benign for APOB-related condition. Last evaluated: 2020-06-12. Review status: no assertion criteria provided. Collection method: clinical testing. Allele origin: germline. Not counted in ClinVar's aggregate classification.
Comment: This variant is classified as likely benign based on ACMG/AMP sequence variant interpretation guidelines (Richards et al. 2015 PMID: 25741868, with internal and published modifications).

Literature cited by the submitters: PubMed 19602640 (cited by Mayo Clinic Laboratories, Mayo Clinic and Quest Diagnostics Nichols Institute San Juan Capistrano); PubMed 22923420 (cited by Mayo Clinic Laboratories, Mayo Clinic); PubMed 23685560 (cited by 3 submitters); PubMed 8889592 (cited by Quest Diagnostics Nichols Institute San Juan Capistrano); PubMed 34456049 (cited by Quest Diagnostics Nichols Institute San Juan Capistrano); PubMed 26516186 (cited by Ambry Genetics).

NM_000384.3(APOB):c.11833A>G (p.Thr3945Ala)

Gene: APOB (apolipoprotein B; minus strand). Cytogenetic location: 2p24.1.
Variant type: single nucleotide variant.
Coding change: c.11833A>G on transcript NM_000384.3 (MANE Select); coding-DNA position 11833, A replaced by G.
Protein change: p.Thr3945Ala; replaces threonine 3945 with alanine.
Molecular consequence: missense variant.
Genome position (GRCh38, 1-based): chr2:21,004,631, T>C on the plus strand (A>G on the coding strand, the complement: APOB is on the minus strand). VCF-style: chr2-21004631-T-C. GRCh37 (hg19) VCF-style: chr2-21227503-T-C.
Other names: p.Thr3945Ala; short protein forms T3945A.
Identifiers: ClinVar variation 334091 (VCV000334091.69), dbSNP rs1801698, ClinGen allele CA047786.
Genomic context (GRCh38, chr2:21,004,631, plus strand): 5'-CATATTTGCCATCTTCTTCATATTCTGCACTGAAGTCACGGTGTGCAAATGTTCCTTTAG[T>C]CTTAGAGGCTAACGTACCATCTTCGATTTTGTGTGTTCCCAAAACTGTATAGGAGAGATT-3'
Protein context (NP_000375.3, residues 3935-3955): KIEDGTLASK[Thr3945Ala]KGTFAHRDFS